The following is an entry in ClinVar:

ClinVar aggregate classification (germline): Uncertain significance (1 of 4 stars; one submission).

Submission:

Labcorp Genetics (formerly Invitae), Labcorp
Classification: Uncertain significance. Last evaluated: 2024-01-31. Review status: criteria provided, single submitter. Criteria: Invitae Variant Classification Sherloc (09022015). Collection method: clinical testing. Allele origin: germline.
Comment: This sequence change replaces glycine, which is neutral and non-polar, with cysteine, which is neutral and slightly polar, at codon 1374 of the COL7A1 protein (p.Gly1374Cys). This variant is not present in population databases (gnomAD no frequency). This variant has not been reported in the literature in individuals affected with COL7A1-related conditions. Experimental studies and prediction algorithms are not available or were not evaluated, and the functional significance of this variant is currently unknown. This variant disrupts the triple helix domain of COL7A1. Glycine residues within the Gly-Xaa-Yaa repeats of the triple helix domain are required for the structure and stability of fibrillar collagens (PMID: 7695699, 8218237, 19344236), and variants at these glycine residues in COL7A1 are more frequently observed in individuals with disease than in the general population (PMID: 22058051). However, the clinical significance of this observation remains uncertain since only a limited number of affected individuals have been described to date. In summary, the available evidence is currently insufficient to determine the role of this variant in disease. Therefore, it has been classified as a Variant of Uncertain Significance.

Literature cited by the submitters: PubMed 7695699; PubMed 8218237; PubMed 19344236; PubMed 22058051.

NM_000094.4(COL7A1):c.4120G>T (p.Gly1374Cys)

Gene: COL7A1 (collagen type VII alpha 1 chain; minus strand). Cytogenetic location: 3p21.31.
Variant type: single nucleotide variant.
Coding change: c.4120G>T on transcript NM_000094.4 (MANE Select); coding-DNA position 4120, G replaced by T.
Protein change: p.Gly1374Cys; replaces glycine 1374 with cysteine.
Molecular consequence: missense variant.
Genome position (GRCh38, 1-based): chr3:48,584,375, C>A on the plus strand (G>T on the coding strand, the complement: COL7A1 is on the minus strand). VCF-style: chr3-48584375-C-A. GRCh37 (hg19) VCF-style: chr3-48621808-C-A.
Other names: short protein forms G1374C.
Identifiers: ClinVar variation 3607038 (VCV003607038.2).